The following is an entry in ClinVar:

ClinVar aggregate classification (germline): Pathogenic (1 of 4 stars; one submission).

Conditions:
Sandhoff disease. Also called: GM2-GANGLIOSIDOSIS, TYPE II; HEXOSAMINIDASES A AND B DEFICIENCY; Beta-hexosaminidase-beta-subunit deficiency; GM2 gangliosidosis, type 2; Total hexosaminidase deficiency; Sandhoff-Jatzkewitz-Pilz disease. Identifiers: Orphanet 796, MedGen C0036161, MONDO:0010006, OMIM 268800.

Submission:

Labcorp Genetics (formerly Invitae), Labcorp
Classification: Pathogenic for Sandhoff disease. Last evaluated: 2023-05-27. Review status: criteria provided, single submitter. Criteria: Invitae Variant Classification Sherloc (09022015). Collection method: clinical testing. Allele origin: germline.
Comment: For these reasons, this variant has been classified as Pathogenic. ClinVar contains an entry for this variant (Variation ID: 2026408). This variant has not been reported in the literature in individuals affected with HEXB-related conditions. This variant is not present in population databases (gnomAD no frequency). This sequence change creates a premature translational stop signal (p.Gly293Trpfs*20) in the HEXB gene. It is expected to result in an absent or disrupted protein product. Loss-of-function variants in HEXB are known to be pathogenic (PMID: 7550345, 18758829).

Literature cited by the submitters: PubMed 7550345; PubMed 18758829.

NM_000521.4(HEXB):c.875dup (p.Gly293fs)

Gene: HEXB (hexosaminidase subunit beta; plus strand). Cytogenetic location: 5q13.3.
Variant type: Duplication.
Coding change: c.875dup on transcript NM_000521.4 (MANE Select); coding-DNA position 875, one base duplicated (C; older notation c.875dupC).
Protein change: p.Gly293fs; shifts the reading frame from glycine 293.
Molecular consequence: frameshift variant.
Genome position (GRCh38, 1-based): chr5:74,713,609, C duplicated; the last of 4 consecutive C bases (chr5:74,713,606-74,713,609); duplicating any one gives the same sequence. VCF-style (leftmost placement, unchanged base first): chr5-74713605-A-AC. GRCh37 (hg19) VCF-style: chr5-74009430-A-AC.
Other names: c.200dup, p.Gly68fs (NM_001292004.2); short protein forms G68fs, G293fs.
Identifiers: ClinVar variation 2026408 (VCV002026408.4), dbSNP rs2478752679, ClinGen allele CA2580073407.